The following is an entry in ClinVar:

ClinVar aggregate classification (germline): Uncertain significance (1 of 4 stars; one submission).

Allele frequency attached by ClinVar (database versions not stated): gnomAD 0.00001 and 0.00002; gnomAD exomes 0.00001; TOPMed 0.00002.
gnomAD v4.1: 18 of 1,613,940 alleles (0.0011%); highest among the groups gnomAD compares: Middle Eastern, 0.033%; no homozygotes.

Submission:

Labcorp Genetics (formerly Invitae), Labcorp
Classification: Uncertain significance. Last evaluated: 2022-06-28. Review status: criteria provided, single submitter. Criteria: Invitae Variant Classification Sherloc (09022015). Collection method: clinical testing. Allele origin: germline.
Comment: This sequence change replaces threonine, which is neutral and polar, with methionine, which is neutral and non-polar, at codon 235 of the WDR62 protein (p.Thr235Met). This variant is present in population databases (no rsID available, gnomAD 0.003%). This variant has not been reported in the literature in individuals affected with WDR62-related conditions. Algorithms developed to predict the effect of missense changes on protein structure and function are either unavailable or do not agree on the potential impact of this missense change (SIFT: "Deleterious"; PolyPhen-2: "Probably Damaging"; Align-GVGD: "Class C0"). In summary, the available evidence is currently insufficient to determine the role of this variant in disease. Therefore, it has been classified as a Variant of Uncertain Significance.

NM_001083961.2(WDR62):c.704C>T (p.Thr235Met)

Gene: WDR62 (WD repeat domain 62; plus strand). Cytogenetic location: 19q13.12.
Variant type: single nucleotide variant.
Coding change: c.704C>T on transcript NM_001083961.2 (MANE Select); coding-DNA position 704, C replaced by T.
Protein change: p.Thr235Met; replaces threonine 235 with methionine.
Molecular consequence: missense variant.
Genome position (GRCh38, 1-based): chr19:36,067,832, C>T. VCF-style: chr19-36067832-C-T. GRCh37 (hg19) VCF-style: chr19-36558734-C-T.
Other names: c.704C>T, p.Thr235Met (NM_173636.5); short protein forms T235M.
Identifiers: ClinVar variation 1425455 (VCV001425455.3), dbSNP rs948741011, ClinGen allele CA307846774.